The following is an entry in ClinVar:

ClinVar aggregate classification (germline): Uncertain significance (1 of 4 stars; one submission).

gnomAD v4.1: 3 of 1,614,058 alleles (0.00019%); highest among the groups gnomAD compares: African/African-American, 0.004%; no homozygotes.

Submission:

Labcorp Genetics (formerly Invitae), Labcorp
Classification: Uncertain significance. Last evaluated: 2024-08-04. Review status: criteria provided, single submitter. Criteria: Invitae Variant Classification Sherloc (09022015). Collection method: clinical testing. Allele origin: germline.
Comment: This sequence change replaces alanine, which is neutral and non-polar, with threonine, which is neutral and polar, at codon 634 of the FLNB protein (p.Ala634Thr). This variant is not present in population databases (gnomAD no frequency). This variant has not been reported in the literature in individuals affected with FLNB-related conditions. Advanced modeling of protein sequence and biophysical properties (such as structural, functional, and spatial information, amino acid conservation, physicochemical variation, residue mobility, and thermodynamic stability) performed at Invitae indicates that this missense variant is not expected to disrupt FLNB protein function with a negative predictive value of 95%. In summary, the available evidence is currently insufficient to determine the role of this variant in disease. Therefore, it has been classified as a Variant of Uncertain Significance.

NM_001457.4(FLNB):c.1900G>A (p.Ala634Thr)

Gene: FLNB (filamin B; plus strand). Cytogenetic location: 3p14.3.
Variant type: single nucleotide variant.
Coding change: c.1900G>A on transcript NM_001457.4 (MANE Select); coding-DNA position 1900, G replaced by A.
Protein change: p.Ala634Thr; replaces alanine 634 with threonine.
Molecular consequence: missense variant.
Genome position (GRCh38, 1-based): chr3:58,106,832, G>A. VCF-style: chr3-58106832-G-A. GRCh37 (hg19) VCF-style: chr3-58092559-G-A.
Other names: c.1900G>A, p.Ala634Thr (NM_001164317.2, NM_001164318.2, NM_001164319.2); short protein forms A634T.
Identifiers: ClinVar variation 3619777 (VCV003619777.2).